The following is an entry in ClinVar:

ClinVar aggregate classification (germline): Uncertain significance (1 of 4 stars; one submission).

Conditions:
Amyotrophic lateral sclerosis type 8 (ALS8). Identifiers: Orphanet 803, MedGen C1837728, MONDO:0012077, OMIM 608627.
Adult-onset proximal spinal muscular atrophy, autosomal dominant. Also called: Spinal muscular atrophy, late-onset, finkel type; FINKEL LATE-ADULT TYPE SMA. Identifiers: Orphanet 209335, MedGen C1854058, MONDO:0008453, OMIM 182980.

Submission:

Labcorp Genetics (formerly Invitae), Labcorp
Classification: Uncertain significance for Adult-onset proximal spinal muscular atrophy, autosomal dominant; Amyotrophic lateral sclerosis type 8. Last evaluated: 2022-09-22. Review status: criteria provided, single submitter. Criteria: Invitae Variant Classification Sherloc (09022015). Collection method: clinical testing. Allele origin: germline.
Comment: Advanced modeling of protein sequence and biophysical properties (such as structural, functional, and spatial information, amino acid conservation, physicochemical variation, residue mobility, and thermodynamic stability) performed at Invitae indicates that this missense variant is not expected to disrupt VAPB protein function. In summary, the available evidence is currently insufficient to determine the role of this variant in disease. Therefore, it has been classified as a Variant of Uncertain Significance. This variant has not been reported in the literature in individuals affected with VAPB-related conditions. This variant is not present in population databases (gnomAD no frequency). This sequence change replaces asparagine, which is neutral and polar, with isoleucine, which is neutral and non-polar, at codon 39 of the VAPB protein (p.Asn39Ile).

NM_004738.5(VAPB):c.116A>T (p.Asn39Ile)

Gene: VAPB (VAMP associated protein B and C; plus strand). Cytogenetic location: 20q13.32.
Variant type: single nucleotide variant.
Coding change: c.116A>T on transcript NM_004738.5 (MANE Select); coding-DNA position 116, A replaced by T.
Protein change: p.Asn39Ile; replaces asparagine 39 with isoleucine.
Molecular consequence: missense variant. On other transcripts: non-coding transcript variant (1).
Genome position (GRCh38, 1-based): chr20:58,418,268, A>T. VCF-style: chr20-58418268-A-T. GRCh37 (hg19) VCF-style: chr20-56993324-A-T.
Other names: c.116A>T, p.Asn39Ile (NM_001195677.2); short protein forms N39I.
Identifiers: ClinVar variation 1720078 (VCV001720078.5), dbSNP rs2516032921, ClinGen allele CA409442440.
Genomic context (GRCh38, chr20:58,418,268, plus strand): 5'-CAGGTCCCTTCACCGATGTTGTCACCACCAACCTAAAGCTTGGCAACCCGACAGACCGAA[A>T]TGTGTGTTTTAAGGTGAAGACTACAGCACCACGTAGGTACTGTGTGAGGCCCAACAGCGG-3'
Protein context (NP_004729.1, residues 29-49): NLKLGNPTDR[Asn39Ile]VCFKVKTTAP